The following is an entry in ClinVar:

NM_012309.5(SHANK2):c.4346C>T (p.Pro1449Leu)

Gene: SHANK2 (SH3 and multiple ankyrin repeat domains 2; minus strand). Cytogenetic location: 11q13.3.
Variant type: single nucleotide variant.
Coding change: c.4346C>T on transcript NM_012309.5 (MANE Select); coding-DNA position 4346, C replaced by T.
Protein change: p.Pro1449Leu; replaces proline 1449 with leucine.
Molecular consequence: missense variant.
Genome position (GRCh38, 1-based): chr11:70,485,947, G>A on the plus strand (C>T on the coding strand, the complement: SHANK2 is on the minus strand). VCF-style: chr11-70485947-G-A. GRCh37 (hg19) VCF-style: chr11-70332052-G-A.
Other names: c.3209C>T, p.Pro1070Leu (NM_001379226.1); c.2582C>T, p.Pro861Leu (NM_133266.5); short protein forms P1070L, P1449L, P861L.
Identifiers: ClinVar variation 2663597 (VCV002663597.1), dbSNP rs2495477345, ClinGen allele CA381682560.

ClinVar aggregate classification (germline): Uncertain significance (1 of 4 stars; one submission).

Submission:

GeneDx
Classification: Uncertain significance. Last evaluated: 2023-03-02. Review status: criteria provided, single submitter. Criteria: GeneDx Variant Classification Process June 2021. Collection method: clinical testing. Allele origin: germline. Affected: yes.
Comment: Not observed at significant frequency in large population cohorts (gnomAD); In silico analysis supports that this missense variant has a deleterious effect on protein structure/function; Has not been previously published as pathogenic or benign to our knowledge